The following is an entry in ClinVar:

ClinVar aggregate classification (germline): Uncertain significance (1 of 4 stars; one submission).

Conditions:
Symmetrical dyschromatosis of extremities (DSH). Also called: DYSCHROMATOSIS SYMMETRICA HEREDITARIA 1; RETICULATE ACROPIGMENTATION OF DOHI; SYMMETRIC DYSCHROMATOSIS OF THE EXTREMITIES; Dyschromatosis symmetrica hereditaria. Identifiers: Orphanet 41, MedGen C0406775, MONDO:0007483, OMIM 127400.
Aicardi-Goutieres syndrome 6 (AGS6). Identifiers: Orphanet 51, MedGen C3539013, MONDO:0014007, OMIM 615010.

Submission:

Labcorp Genetics (formerly Invitae), Labcorp
Classification: Uncertain significance for Aicardi-Goutieres syndrome 6; Symmetrical dyschromatosis of extremities. Last evaluated: 2023-03-14. Review status: criteria provided, single submitter. Criteria: Invitae Variant Classification Sherloc (09022015). Collection method: clinical testing. Allele origin: germline.
Comment: In summary, the available evidence is currently insufficient to determine the role of this variant in disease. Therefore, it has been classified as a Variant of Uncertain Significance. Advanced modeling of protein sequence and biophysical properties (such as structural, functional, and spatial information, amino acid conservation, physicochemical variation, residue mobility, and thermodynamic stability) performed at Invitae indicates that this missense variant is not expected to disrupt ADAR protein function. This variant has not been reported in the literature in individuals affected with ADAR-related conditions. This variant is not present in population databases (gnomAD no frequency). This sequence change replaces serine, which is neutral and polar, with cysteine, which is neutral and slightly polar, at codon 898 of the ADAR protein (p.Ser898Cys).

NM_001111.5(ADAR):c.2693C>G (p.Ser898Cys)

Genes: ADAR (adenosine deaminase RNA specific; minus strand), LOC126805874 (CDK7 strongly-dependent group 2 enhancer GRCh37_chr1:154561176-154562375; plus strand). Cytogenetic location: 1q21.3.
Variant type: single nucleotide variant.
Coding change: c.2693C>G on transcript NM_001111.5 (MANE Select); coding-DNA position 2693, C replaced by G.
Protein change: p.Ser898Cys; replaces serine 898 with cysteine.
Molecular consequence: missense variant.
Genome position (GRCh38, 1-based): chr1:154,589,438, G>C on the plus strand (C>G on the coding strand, the complement: ADAR is on the minus strand). VCF-style: chr1-154589438-G-C. GRCh37 (hg19) VCF-style: chr1-154561914-G-C.
Other names: c.1808C>G, p.Ser603Cys (NM_001025107.3, NM_001193495.2, NM_001365046.1 and 2 more transcripts); c.2720C>G, p.Ser907Cys (NM_001365045.1); c.1730C>G, p.Ser577Cys (NM_001365049.1); c.2615C>G, p.Ser872Cys (NM_015840.4); c.2558C>G, p.Ser853Cys (NM_015841.4); short protein forms S907C, S853C, S872C, S577C, S603C, S898C.
Identifiers: ClinVar variation 2945313 (VCV002945313.3), dbSNP rs1424630296, ClinGen allele CA342636673.